The following is an entry in ClinVar:

ClinVar aggregate classification (germline): Likely benign. Review status: criteria provided, multiple submitters, no conflicts (2 of 4 stars). 4 submissions from 4 submitters: Likely benign (3). 1 of the submissions does not count toward it. Last evaluated 2026-01-13.

Conditions:
Inborn genetic diseases. Identifiers: MedGen C0950123, MeSH D030342.
NPC1-related disorder. Also called: NPC1-related condition.
Niemann-Pick disease, type C1. Also called: NEUROVISCERAL STORAGE DISEASE WITH VERTICAL SUPRANUCLEAR OPHTHALMOPLEGIA; NIEMANN-PICK DISEASE WITH CHOLESTEROL ESTERIFICATION BLOCK; NIEMANN-PICK DISEASE WITHOUT SPHINGOMYELINASE DEFICIENCY; NIEMANN-PICK DISEASE, CHRONIC NEURONOPATHIC FORM; NIEMANN-PICK DISEASE, VARIANT TYPE C1. Identifiers: Orphanet 646, MedGen C3179455, MONDO:0009757, OMIM 257220.

Allele frequency attached by ClinVar (database versions not stated): gnomAD 0.00003 and 0.00004; TOPMed 0.00005; gnomAD exomes 0.00008; ExAC 0.00012; ESP Exome Variant Server 0.00023.
gnomAD v4.1: 127 of 1,614,092 alleles (0.0079%); highest among the groups gnomAD compares: South Asian, 0.0099%; 1 homozygote.

Submissions (4):

Labcorp Genetics (formerly Invitae), Labcorp
Classification: Likely benign for Niemann-Pick disease, type C1. Last evaluated: 2026-01-13. Review status: criteria provided, single submitter. Criteria: Invitae Variant Classification Sherloc (09022015). Collection method: clinical testing. Allele origin: germline.

CeGaT Center for Human Genetics Tuebingen
Classification: Likely benign. Last evaluated: 2024-05-01. Review status: criteria provided, single submitter. Criteria: CeGaT Center For Human Genetics Tuebingen Variant Classification Criteria Version 2. Collection method: clinical testing. Allele origin: germline. Affected: yes. Observed: 1 variant allele.
Comment: NPC1: BP4, BP7

Ambry Genetics
Classification: Likely benign for Inborn genetic diseases. Last evaluated: 2023-02-16. Review status: criteria provided, single submitter. Criteria: Ambry Variant Classification Scheme 2023. Collection method: clinical testing. Allele origin: germline.

PreventionGenetics, part of Exact Sciences
Classification: Likely benign for NPC1-related condition. Last evaluated: 2022-03-01. Review status: no assertion criteria provided. Collection method: clinical testing. Allele origin: germline. Not counted in ClinVar's aggregate classification.
Comment: This variant is classified as likely benign based on ACMG/AMP sequence variant interpretation guidelines (Richards et al. 2015 PMID: 25741868, with internal and published modifications).

NM_000271.5(NPC1):c.1608G>A (p.Thr536=)

Gene: NPC1 (NPC intracellular cholesterol transporter 1; minus strand). Cytogenetic location: 18q11.2.
Variant type: single nucleotide variant.
Coding change: c.1608G>A on transcript NM_000271.5 (MANE Select); coding-DNA position 1608, G replaced by A.
Protein change: p.Thr536=; no amino-acid change (threonine 536 retained).
Molecular consequence: synonymous variant.
Genome position (GRCh38, 1-based): chr18:23,551,673, C>T on the plus strand (G>A on the coding strand, the complement: NPC1 is on the minus strand). VCF-style: chr18-23551673-C-T. GRCh37 (hg19) VCF-style: chr18-21131637-C-T.
Identifiers: ClinVar variation 733195 (VCV000733195.31), dbSNP rs372770463, ClinGen allele CA8913417.